The following is an entry in ClinVar:

NM_024675.4(PALB2):c.3367G>A (p.Val1123Met)

Gene: PALB2 (partner and localizer of BRCA2; minus strand). Cytogenetic location: 16p12.2.
Variant type: single nucleotide variant.
Coding change: c.3367G>A on transcript NM_024675.4 (MANE Select); coding-DNA position 3367, G replaced by A.
Protein change: p.Val1123Met; replaces valine 1123 with methionine.
Molecular consequence: missense variant.
Genome position (GRCh38, 1-based): chr16:23,603,653, C>T on the plus strand (G>A on the coding strand, the complement: PALB2 is on the minus strand). VCF-style: chr16-23603653-C-T. GRCh37 (hg19) VCF-style: chr16-23614974-C-T.
Other names: short protein forms V1123M.
Identifiers: ClinVar variation 185518 (VCV000185518.27), dbSNP rs757118000, ClinGen allele CA192169.

ClinVar aggregate classification (germline): Uncertain significance. Review status: criteria provided, multiple submitters, no conflicts (2 of 4 stars). 9 submissions from 9 submitters: Uncertain significance (9). Last evaluated 2025-11-05.

Conditions:
Hereditary cancer-predisposing syndrome. Also called: Tumor predisposition; Neoplastic Syndromes, Hereditary; Hereditary neoplastic syndrome; Hereditary Cancer Syndrome. Identifiers: Orphanet 140162, MedGen C0027672, MeSH D009386, MONDO:0015356.
Pancreatic cancer, susceptibility to, 3. Identifiers: Orphanet 1333, MedGen C3150547, MONDO:0013236, OMIM 613348.
Fanconi anemia complementation group N. Also called: PALB2-Related Fanconi Anemia. Identifiers: Orphanet 84, MedGen C1835817, MONDO:0012565, OMIM 610832. Disease mechanism: loss of function.
Familial cancer of breast. Also called: BREAST CANCER, FAMILIAL; hereditary breast carcinoma; Hereditary breast cancer. Identifiers: Orphanet 227535, MedGen C0346153, MONDO:0016419, OMIM 114480. Disease mechanism: loss of function.

Allele frequency attached by ClinVar (database versions not stated): TOPMed below 0.00001.
gnomAD v4.1: 21 of 1,613,288 alleles (0.0013%); highest among the groups gnomAD compares: East Asian, 0.0022%; no homozygotes.

Submissions (9):

Labcorp Genetics (formerly Invitae), Labcorp
Classification: Uncertain significance for Familial cancer of breast. Last evaluated: 2025-11-05. Review status: criteria provided, single submitter. Criteria: Invitae Variant Classification Sherloc (09022015). Collection method: clinical testing. Allele origin: germline.
Comment: This sequence change replaces valine, which is neutral and non-polar, with methionine, which is neutral and non-polar, at codon 1123 of the PALB2 protein (p.Val1123Met). This variant is present in population databases (rs757118000, gnomAD 0.0009%). This missense change has been observed in individual(s) with breast cancer or breast and ovarian cancer and colon and bladder cancer (PMID: 26283626, 27616075, 29212164). ClinVar contains an entry for this variant (Variation ID: 185518). An algorithm developed to predict the effect of missense changes on protein structure and function (PolyPhen-2) suggests that this variant is likely to be disruptive. Experimental studies have shown that this missense change does not substantially affect PALB2 function (PMID: 31757951). In summary, the available evidence is currently insufficient to determine the role of this variant in disease. Therefore, it has been classified as a Variant of Uncertain Significance.

Baylor Genetics
Classification: Uncertain significance for Familial cancer of breast. Last evaluated: 2024-02-13. Review status: criteria provided, single submitter. Criteria: ACMG Guidelines, 2015. Collection method: clinical testing. Allele origin: unknown.

Ambry Genetics
Classification: Uncertain significance for Hereditary cancer-predisposing syndrome. Last evaluated: 2023-10-25. Review status: criteria provided, single submitter. Criteria: Ambry Variant Classification Scheme 2023. Collection method: clinical testing. Allele origin: germline.
Comment: The p.V1123M variant (also known as c.3367G>A), located in coding exon 13 of the PALB2 gene, results from a G to A substitution at nucleotide position 3367. The valine at codon 1123 is replaced by methionine, an amino acid with highly similar properties. This alteration was identified in 1/1996 high risk Australian breast cancer patients and 0/1998 unaffected controls (Thompson ER et al. Breast Cancer Res., 2015 Aug;17:111). It has also been reported in patients with ovarian and colorectal cancers (Kraus C et al. Int. J. Cancer, 2017 Jan;140:95-102; Raskin L et al. Oncotarget, 2017 Nov;8:93450-93463) and it was identified in a cohort of 3,579 African male prostate cancer cases and controls who underwent multi-gene panel testing of 19 DNA repair and cancer predisposition genes (Matejcic M et al. JCO Precis Oncol 2020 Jan;4:32-43). In a homology-directed DNA repair (HDR) assay, this alteration was found to be functionally inconclusive and in a PARP inhibitor sensitivity assay, this alteration was found to be functionally normal (Boonen RACM et al. Nat Commun, 2019 11;10:5296). This amino acid position is highly conserved in available vertebrate species. In addition, this alteration is predicted to be tolerated by in silico analysis. Since supporting evidence is limited at this time, the clinical significance of this alteration remains unclear.

Blueprint Genetics
Classification: Uncertain significance. Last evaluated: 2023-09-14. Review status: criteria provided, single submitter. Criteria: ACMG Guidelines, 2015. Collection method: clinical testing. Allele origin: germline.

Quest Diagnostics Nichols Institute San Juan Capistrano
Classification: Uncertain significance. Last evaluated: 2023-01-18. Review status: criteria provided, single submitter. Criteria: Quest Diagnostics criteria. Collection method: clinical testing. Allele origin: unknown.
Comment: The frequency of this variant in the general population, 0.000008 (2/251360 chromosomes), is uninformative in assessment of its pathogenicity. In the published literature, the variant has been reported in individuals with breast/ovarian (PMIDs: 27616075 (2016, 26283626 (2015)) and colorectal cancer (PMID: 29212164 (2017)). Functional assays showed a reduction in homologous recombination, but no PARPi sensitivity (PMID: 31757951 (2019)). Analysis of this variant using bioinformatics tools for the prediction of the effect of amino acid changes on protein structure and function yielded conflicting predictions that this variant is benign or damaging. Based on the available information, we are unable to determine the clinical significance of this variant.

Fulgent Genetics
Classification: Uncertain significance for Familial cancer of breast; Fanconi anemia complementation group N; Pancreatic cancer, susceptibility to, 3. Last evaluated: 2022-05-28. Review status: criteria provided, single submitter. Criteria: ACMG Guidelines, 2015. Collection method: clinical testing. Allele origin: unknown.

Color Diagnostics, LLC DBA Color Health
Classification: Uncertain significance for Hereditary cancer-predisposing syndrome. Last evaluated: 2022-02-14. Review status: criteria provided, single submitter. Criteria: ACMG Guidelines, 2015. Collection method: clinical testing. Allele origin: germline.
Comment: This missense variant replaces valine with methionine at codon 1123 of the PALB2 protein. Computational prediction suggests that this variant may not impact protein structure and function (internally defined REVEL score threshold <= 0.5, PMID: 27666373). A functional study have reported that this variant has no impact on PALB2 function in homology-directed repair and PARP inhibitor resistance assays (PMID: 31757951). This variant has been reported in three individuals affected with breast cancer, breast and ovarian cancer, and colon and bladder cancer (PMID: 26283626, 27616075, 29212164). This variant has been identified in 2/251360 chromosomes in the general population by the Genome Aggregation Database (gnomAD). The available evidence is insufficient to determine the role of this variant in disease conclusively. Therefore, this variant is classified as a Variant of Uncertain Significance.

GeneDx
Classification: Uncertain significance. Last evaluated: 2015-09-03. Review status: criteria provided, single submitter. Criteria: GeneDx Variant Classification (06012015). Collection method: clinical testing. Allele origin: germline. Affected: yes.
Comment: This variant is denoted PALB2 c.3367G>A at the cDNA level, p.Val1123Met (V1123M) at the protein level, and results in the change of a Valine to a Methionine (GTG>ATG). This variant has been observed in at least one individual with a history of breast cancer (Thompson 2015). PALB2 Val1123Met was not observed in approximately 6,500 individuals of European and African American ancestry in the NHLBI Exome Sequencing Project, indicating it is not a common benign variant in these populations. Since Valine and Methionine share similar properties, this is considered a conservative amino acid substitution. PALB2 Val1123Met occurs at a position that is conserved in mammals and is located in the WD 6 domain and a region responsible for interaction with RAD51, BRCA2, and POLH (UniProt). In silico analyses predict that this variant is probably damaging to protein structure and function. Based on currently available information, it is unclear whether PALB2 Val1123Met is pathogenic or benign. We consider it to be a variant of uncertain significance.

Cancer Genetics Laboratory, Peter MacCallum Cancer Centre
Classification: Uncertain significance for Familial cancer of breast. Last evaluated: 2015-06-01. Review status: criteria provided, single submitter. Criteria: Thompson et al. (Breast Cancer Res. 2015). Collection method: case-control. Allele origin: germline. Affected: yes. Observed: 1 variant allele, 1 heterozygote.

Literature cited by the submitters: PubMed 26283626 (cited by 4 submitters); PubMed 27616075 (cited by 4 submitters); PubMed 29212164 (cited by 4 submitters); PubMed 31757951 (cited by 4 submitters).